The following is an entry in ClinVar:

ClinVar aggregate classification (germline): Uncertain significance (1 of 4 stars; one submission).

Conditions:
Amyotrophic lateral sclerosis type 4 (ALS4). Also called: AMYOTROPHIC LATERAL SCLEROSIS 4, JUVENILE; NEURONOPATHY, DISTAL HEREDITARY MOTOR, WITH PYRAMIDAL FEATURES. Identifiers: Orphanet 357043, MedGen C1865409, MONDO:0011223, OMIM 602433.
Spinocerebellar ataxia, autosomal recessive, with axonal neuropathy 2 (SCAN2). Also called: Ataxia with Oculomotor Apraxia; ATAXIA-OCULOMOTOR APRAXIA 2; Ataxia with Oculomotor Apraxia Type 2; Ataxia-ocular apraxia-2. Identifiers: Orphanet 64753, MedGen C1853761, MONDO:0018996, OMIM 606002.

Submission:

Labcorp Genetics (formerly Invitae), Labcorp
Classification: Uncertain significance for Amyotrophic lateral sclerosis type 4; Spinocerebellar ataxia, autosomal recessive, with axonal neuropathy 2. Last evaluated: 2022-03-10. Review status: criteria provided, single submitter. Criteria: Invitae Variant Classification Sherloc (09022015). Collection method: clinical testing. Allele origin: germline.
Comment: In summary, the available evidence is currently insufficient to determine the role of this variant in disease. Therefore, it has been classified as a Variant of Uncertain Significance. Experimental studies and prediction algorithms are not available or were not evaluated, and the functional significance of this variant is currently unknown. This variant has not been reported in the literature in individuals affected with SETX-related conditions. This variant is present in population databases (rs774598266, gnomAD 0.002%). This variant, c.3992_3994del, results in the deletion of 1 amino acid(s) of the SETX protein (p.Pro1331del), but otherwise preserves the integrity of the reading frame.

NM_015046.7(SETX):c.3989CTC[1] (p.Pro1331del)

Gene: SETX (senataxin; minus strand). Cytogenetic location: 9q34.13.
Variant type: Microsatellite.
Coding change: c.3989CTC[1] on transcript NM_015046.7 (MANE Select); one copy of the 3-base unit CTC starting at c.3989; the reference has two copies in a row; one copy, 3 bases deleted.
Protein change: p.Pro1331del; deletes proline 1331.
Molecular consequence: inframe deletion.
Genome position (GRCh38, 1-based): chr9:132,327,604-132,327,606, GAG deleted on the plus strand (CTC on the coding strand, the reverse complement: SETX is on the minus strand); deleting any 3 consecutive bases within chr9:132,327,604-132,327,609 gives the same sequence; the position shown is the placement nearest the transcript's 3' end. VCF-style (leftmost placement, unchanged base first): chr9-132327603-TGAG-T. GRCh37 (hg19) VCF-style: chr9-135202990-TGAG-T.
Other names: c.3989CTC[1], p.Pro1331del (NM_001351527.2, NM_001351528.2); short protein forms P1331del.
Identifiers: ClinVar variation 1896044 (VCV001896044.5), dbSNP rs774598266, ClinGen allele CA5297289.